The following is an entry in ClinVar:

ClinVar aggregate classification (germline): Uncertain significance. Review status: criteria provided, multiple submitters, no conflicts (2 of 4 stars). 2 submissions from 2 submitters: Uncertain significance (2). Last evaluated 2022-03-16.

Conditions:
Inborn genetic diseases. Identifiers: MedGen C0950123, MeSH D030342.

Submissions (2):

Ambry Genetics
Classification: Uncertain significance for Inborn genetic diseases. Last evaluated: 2022-03-16. Review status: criteria provided, single submitter. Criteria: Ambry Variant Classification Scheme 2023. Collection method: clinical testing. Allele origin: germline.

Labcorp Genetics (formerly Invitae), Labcorp
Classification: Uncertain significance. Last evaluated: 2022-03-05. Review status: criteria provided, single submitter. Criteria: Invitae Variant Classification Sherloc (09022015). Collection method: clinical testing. Allele origin: germline.
Comment: In summary, the available evidence is currently insufficient to determine the role of this variant in disease. Therefore, it has been classified as a Variant of Uncertain Significance. Algorithms developed to predict the effect of missense changes on protein structure and function output the following: SIFT: "Not Available"; PolyPhen-2: "Benign"; Align-GVGD: "Not Available". The cysteine amino acid residue is found in multiple mammalian species, which suggests that this missense change does not adversely affect protein function. This sequence change replaces arginine, which is basic and polar, with cysteine, which is neutral and slightly polar, at codon 202 of the UNC45A protein (p.Arg202Cys). This variant is present in population databases (rs758584121, gnomAD 0.03%). This variant has not been reported in the literature in individuals affected with UNC45A-related conditions.

NM_018671.5(UNC45A):c.604C>T (p.Arg202Cys)

Gene: UNC45A (unc-45 myosin chaperone A; plus strand). Cytogenetic location: 15q26.1.
Variant type: single nucleotide variant.
Coding change: c.604C>T on transcript NM_018671.5 (MANE Select); coding-DNA position 604, C replaced by T.
Protein change: p.Arg202Cys; replaces arginine 202 with cysteine.
Molecular consequence: missense variant.
Genome position (GRCh38, 1-based): chr15:90,940,390, C>T. VCF-style: chr15-90940390-C-T. GRCh37 (hg19) VCF-style: chr15-91483620-C-T.
Other names: c.559C>T, p.Arg187Cys (NM_001039675.2, NM_001323621.2); c.604C>T, p.Arg202Cys (NM_001323619.1); c.169C>T, p.Arg57Cys (NM_001323620.2); c.604C>T (NM_018671.3); short protein forms R187C, R202C, R57C.
Identifiers: ClinVar variation 1514863 (VCV001514863.8), dbSNP rs758584121, ClinGen allele CA7742600.